The following is an entry in ClinVar:

NM_145290.4(ADGRA3):c.2894A>G (p.Asn965Ser)

Gene: ADGRA3 (adhesion G protein-coupled receptor A3; minus strand). Cytogenetic location: 4p15.2.
Variant type: single nucleotide variant.
Coding change: c.2894A>G on transcript NM_145290.4 (MANE Select); coding-DNA position 2894, A replaced by G.
Protein change: p.Asn965Ser; replaces asparagine 965 with serine.
Molecular consequence: missense variant.
Genome position (GRCh38, 1-based): chr4:22,388,777, T>C on the plus strand (A>G on the coding strand, the complement: ADGRA3 is on the minus strand). VCF-style: chr4-22388777-T-C. GRCh37 (hg19) VCF-style: chr4-22390400-T-C.
Other names: c.2894A>G (NM_145290.2); short protein forms N965S.
Identifiers: ClinVar variation 963067 (VCV000963067.10), dbSNP rs149797128, ClinGen allele CA2873487.

ClinVar aggregate classification (germline): Uncertain significance. Review status: criteria provided, multiple submitters, no conflicts (2 of 4 stars). 2 submissions from 2 submitters: Uncertain significance (2). Last evaluated 2025-12-18.

Allele frequency attached by ClinVar (database versions not stated): TOPMed 0.00026; 1000 Genomes Project 30x 0.00062; gnomAD exomes 0.00002 and 0.00008; ExAC 0.00008; 1000 Genomes Project 0.00020; gnomAD 0.00021 and 0.00022; ESP Exome Variant Server 0.00023.
gnomAD v4.1: 67 of 1,614,132 alleles (0.0042%); highest among the groups gnomAD compares: African/African-American, 0.068%; no homozygotes.

Submissions (2):

Labcorp Genetics (formerly Invitae), Labcorp
Classification: Uncertain significance. Last evaluated: 2025-12-18. Review status: criteria provided, single submitter. Criteria: Invitae Variant Classification Sherloc (09022015). Collection method: clinical testing. Allele origin: germline.
Comment: This sequence change replaces asparagine, which is neutral and polar, with serine, which is neutral and polar, at codon 965 of the ADGRA3 protein (p.Asn965Ser). This variant is present in population databases (rs149797128, gnomAD 0.1%), and has an allele count higher than expected for a pathogenic variant. This variant has not been reported in the literature in individuals affected with ADGRA3-related conditions. ClinVar contains an entry for this variant (Variation ID: 963067). An algorithm developed to predict the effect of missense changes on protein structure and function outputs the following: PolyPhen-2: "Benign". The serine amino acid residue is found in multiple mammalian species, which suggests that this missense change does not adversely affect protein function. In summary, the available evidence is currently insufficient to determine the role of this variant in disease. Therefore, it has been classified as a Variant of Uncertain Significance.

Ambry Genetics
Classification: Uncertain significance. Last evaluated: 2024-06-07. Review status: criteria provided, single submitter. Criteria: Ambry Variant Classification Scheme 2023. Collection method: clinical testing. Allele origin: germline.